The following is an entry in ClinVar:

ClinVar aggregate classification (germline): Uncertain significance (1 of 4 stars; one submission).

Conditions:
CHMP4B-related disorder. Also called: CHMP4B-related condition.

Submission:

PreventionGenetics, part of Exact Sciences
Classification: Uncertain significance for CHMP4B-related condition. Last evaluated: 2025-06-18. Review status: criteria provided, single submitter. Criteria: ACMG Guidelines, 2015. Collection method: clinical testing. Allele origin: germline.
Comment: The CHMP4B c.482A>G variant is predicted to result in the amino acid substitution p.Glu161Gly. To our knowledge, this variant has not been reported in the literature or in a large population database (gnomAD), indicating this variant is rare. Of note other variants impacting the same amino acid (p.Glu161Lys and p.Glu161Gln) have been reported in patients with cataracts (Shiels et al. 2007. PubMed ID: 17701905; Jackson et al. 2020. PubMed ID: 32830442). Although we suspect that the c.482A>G (p.Glu161Gly) variant may be pathogenic, at this time, its clinical significance is uncertain due to the absence of conclusive functional and genetic evidence.

NM_176812.5(CHMP4B):c.482A>G (p.Glu161Gly)

Gene: CHMP4B (charged multivesicular body protein 4B; plus strand). Cytogenetic location: 20q11.22.
Variant type: single nucleotide variant.
Coding change: c.482A>G on transcript NM_176812.5 (MANE Select); coding-DNA position 482, A replaced by G.
Protein change: p.Glu161Gly; replaces glutamic acid 161 with glycine.
Molecular consequence: missense variant.
Genome position (GRCh38, 1-based): chr20:33,851,065, A>G. VCF-style: chr20-33851065-A-G. GRCh37 (hg19) VCF-style: chr20-32438871-A-G.
Other names: short protein forms E161G.
Identifiers: ClinVar variation 4998595 (VCV004998595.1).